The following is an entry in ClinVar:

NM_003072.5(SMARCA4):c.2678T>G (p.Leu893Arg)

Gene: SMARCA4 (SWI/SNF related BAF chromatin remodeling complex subunit ATPase 4; plus strand). Cytogenetic location: 19p13.2.
Variant type: single nucleotide variant.
Coding change: c.2678T>G on transcript NM_003072.5 (MANE Select); coding-DNA position 2678, T replaced by G.
Protein change: p.Leu893Arg; replaces leucine 893 with arginine.
Molecular consequence: missense variant. On other transcripts: non-coding transcript variant (1).
Genome position (GRCh38, 1-based): chr19:11,021,786, T>G. VCF-style: chr19-11021786-T-G. GRCh37 (hg19) VCF-style: chr19-11132462-T-G.
Other names: c.2678T>G, p.Leu893Arg (NM_001128844.3, NM_001128845.2, NM_001128846.2 and 6 more transcripts); short protein forms L893R.
Identifiers: ClinVar variation 3062125 (VCV003062125.1), dbSNP rs2146417182, ClinGen allele CA404055967.

ClinVar aggregate classification (germline): Likely pathogenic (1 of 4 stars; one submission).

Conditions:
Intellectual disability, autosomal dominant 16 (CSS4). Also called: COFFIN-SIRIS SYNDROME 4. Identifiers: Orphanet 1465, MedGen C3553249, MONDO:0013821, OMIM 614609.

Submission:

Illumina Laboratory Services, Illumina
Classification: Likely pathogenic for Intellectual disability, autosomal dominant 16. Last evaluated: 2017-04-28. Review status: criteria provided, single submitter. Criteria: ICSLVariantClassificationCriteria RUGD 01 April 2020. Collection method: clinical testing. Allele origin: unknown.
Comment: The SMARCA4 c.2678T>G p.(Leu893Arg) missense variant has not, to our knowledge, been reported in the peer-reviewed literature. This variant is not observed in version 2.1.1 of the Genome Aggregation Database. The p.Leu893Arg variant is located in the ATPase domain where other missense variants have been described in affected patients (Tsurusaki et al 2012; Kosho et al 2013; Stanton et al. 2017). The variant is highly conserved across species. Based on the available evidence, thec.2678T>G p.(Leu893Arg) variant is classified as likely pathogenic for Coffin-Siris syndrome.